The following is an entry in ClinVar:

NM_001267550.2(TTN):c.93900C>T (p.Ser31300=)

Genes: TTN-AS1 (TTN antisense RNA 1; plus strand), TTN (titin; minus strand). Cytogenetic location: 2q31.2.
Variant type: single nucleotide variant.
Coding change: c.93900C>T on transcript NM_001267550.2 (MANE Select); coding-DNA position 93900, C replaced by T.
Protein change: p.Ser31300=; no amino-acid change (serine 31300 retained).
Molecular consequence: synonymous variant.
Genome position (GRCh38, 1-based): chr2:178,547,726, G>A on the plus strand (C>T on the coding strand, the complement: TTN is on the minus strand). VCF-style: chr2-178547726-G-A. GRCh37 (hg19) VCF-style: chr2-179412453-G-A.
Other names: p.S29659S:AGC>AGT; p.Ser29659=; c.88977C>T, p.Ser29659= (NM_001256850.1); c.66705C>T, p.Ser22235= (NM_003319.4); c.86196C>T, p.Ser28732= (NM_133378.4); c.67080C>T, p.Ser22360= (NM_133432.3); c.67281C>T, p.Ser22427= (NM_133437.4).
Identifiers: ClinVar variation 47536 (VCV000047536.78), dbSNP rs200173934, ClinGen allele CA284075.

ClinVar aggregate classification (germline): Conflicting classifications of pathogenicity. Review status: criteria provided, conflicting classifications (1 of 4 stars). 23 submissions from 19 submitters: Uncertain significance (3); Benign (8); Likely benign (7). 5 of the submissions do not count toward it. Last evaluated 2026-07-01.

Conditions:
Cardiovascular phenotype. Identifiers: MedGen CN230736.
Dilated cardiomyopathy 1G (CMD1G). Identifiers: Orphanet 154, MedGen C1858763, MONDO:0011400, OMIM 604145.
Autosomal recessive limb-girdle muscular dystrophy type 2J (LGMDR10). Also called: MUSCULAR DYSTROPHY, LIMB-GIRDLE, AUTOSOMAL RECESSIVE 10; Limb-girdle muscular dystrophy, type 2J. Identifiers: Orphanet 140922, MedGen C1837342, MONDO:0012127, OMIM 608807.
Cardiomyopathy (CMYO). Also called: Cardiomyopathies. Identifiers: Orphanet 167848, MedGen C0878544, MONDO:0004994, HP:0001638. Inheritance: Various modes of inheritance.
Early-onset myopathy with fatal cardiomyopathy (CMYO5). Also called: CONGENITAL MYOPATHY 5 WITH CARDIOMYOPATHY; Salih Myopathy. Identifiers: Orphanet 289377, MedGen C2673677, MONDO:0012714, OMIM 611705. Disease mechanism: loss of function.
Myopathy, myofibrillar, 9, with early respiratory failure (MFM9). Also called: Myopathy, distal, with early respiratory failure, autosomal dominant; Hereditary myopathy with early respiratory failure; MYOPATHY, PROXIMAL, WITH EARLY RESPIRATORY MUSCLE INVOLVEMENT; EDSTROM MYOPATHY. Identifiers: Orphanet 178464, Orphanet 34521, MedGen C1863599, MONDO:0011362, OMIM 603689.
Tibial muscular dystrophy (TMD). Also called: Udd Distal Myopathy – Tibial Muscular Dystrophy; Tibial muscular dystrophy, tardive; UDD MYOPATHY. Identifiers: Orphanet 609, MedGen C1838244, MONDO:0010870, OMIM 600334.

Allele frequency attached by ClinVar (database versions not stated): 1000 Genomes Project 0.00020; TOPMed 0.00073; gnomAD exomes 0.00101 and 0.00066; ESP Exome Variant Server 0.00106; 1000 Genomes Project 30x 0.00016; gnomAD 0.00069; ExAC 0.00080.
gnomAD v4.1: 1,559 of 1,613,886 alleles (0.097%); highest among the groups gnomAD compares: Non-Finnish European, 0.12%; 1 homozygote.

Submissions (23):

CeGaT Center for Human Genetics Tuebingen
Classification: Likely benign. Last evaluated: 2026-07-01. Review status: criteria provided, single submitter. Criteria: CeGaT Center For Human Genetics Tuebingen Variant Classification Criteria Version 2. Collection method: clinical testing. Allele origin: germline. Affected: yes. Observed: 20 variant alleles.
Comment: TTN: BP4, BP7

Labcorp Genetics (formerly Invitae), Labcorp
Classification: Benign for Dilated cardiomyopathy 1G; Autosomal recessive limb-girdle muscular dystrophy type 2J. Last evaluated: 2026-02-03. Review status: criteria provided, single submitter. Criteria: Invitae Variant Classification Sherloc (09022015). Collection method: clinical testing. Allele origin: germline.

Molecular Diagnostic Laboratory for Inherited Cardiovascular Disease, Montreal Heart Institute
Classification: Benign. Last evaluated: 2025-04-09. Review status: criteria provided, single submitter. Criteria: ACMG Guidelines, 2015. Collection method: clinical testing. Allele origin: germline. Affected: no.

Mayo Clinic Laboratories, Mayo Clinic
Classification: Likely benign. Last evaluated: 2025-02-18. Review status: criteria provided, single submitter. Criteria: ACMG Guidelines, 2015. Collection method: clinical testing. Allele origin: germline. Observed: 5 variant alleles.
Comment: BS1, BP4, BP7

Blueprint Genetics
Classification: Likely benign. Last evaluated: 2024-11-25. Review status: criteria provided, single submitter. Criteria: ACMG Guidelines, 2015. Collection method: clinical testing. Allele origin: germline.

ARUP Laboratories, Molecular Genetics and Genomics, ARUP Laboratories
Classification: Likely benign. Last evaluated: 2024-11-05. Review status: criteria provided, single submitter. Criteria: ARUP Molecular Germline Variant Investigation Process 2024. Collection method: clinical testing. Allele origin: germline.

Women's Health and Genetics/Laboratory Corporation of America, LabCorp
Classification: Benign. Last evaluated: 2022-05-28. Review status: criteria provided, single submitter. Criteria: LabCorp Variant Classification Summary - May 2015. Collection method: clinical testing. Allele origin: germline.

CHEO Genetics Diagnostic Laboratory, Children's Hospital of Eastern Ontario
Classification: Benign for Cardiomyopathy. Last evaluated: 2020-02-14. Review status: criteria provided, single submitter. Criteria: ACMG Guidelines, 2015. Collection method: clinical testing. Allele origin: germline. Study: Canadian Open Genetics Repository.

Illumina Laboratory Services, Illumina
Classification: Benign for Tibial muscular dystrophy. Last evaluated: 2018-01-12. Review status: criteria provided, single submitter. Criteria: ICSL Variant Classification Criteria 13 December 2019. Collection method: clinical testing. Allele origin: germline.
Comment: This variant was observed in the ICSL laboratory as part of a predisposition screen in an ostensibly healthy population. It had not been previously curated by ICSL or reported in the Human Gene Mutation Database (HGMD: prior to June 1st, 2018), and was therefore a candidate for classification through an automated scoring system. Utilizing variant allele frequency, disease prevalence and penetrance estimates, and inheritance mode, an automated score was calculated to assess if this variant is too frequent to cause the disease. Based on the score and internal cut-off values, a variant classified as benign is not then subjected to further curation. The score for this variant resulted in a classification of benign for this disease.

Illumina Laboratory Services, Illumina
Classification: Benign for Myopathy, myofibrillar, 9, with early respiratory failure. Last evaluated: 2018-01-12. Review status: criteria provided, single submitter. Criteria: ICSL Variant Classification Criteria 13 December 2019. Collection method: clinical testing. Allele origin: germline.
Comment: the same text as in the submission from Illumina Laboratory Services, Illumina above.

Illumina Laboratory Services, Illumina
Classification: Uncertain significance for Early-onset myopathy with fatal cardiomyopathy. Last evaluated: 2018-01-12. Review status: criteria provided, single submitter. Criteria: ICSL Variant Classification Criteria 13 December 2019. Collection method: clinical testing. Allele origin: germline.

Illumina Laboratory Services, Illumina
Classification: Uncertain significance for Autosomal recessive limb-girdle muscular dystrophy type 2J. Last evaluated: 2018-01-12. Review status: criteria provided, single submitter. Criteria: ICSL Variant Classification Criteria 13 December 2019. Collection method: clinical testing. Allele origin: germline.

Illumina Laboratory Services, Illumina
Classification: Uncertain significance for Dilated cardiomyopathy 1G. Last evaluated: 2018-01-12. Review status: criteria provided, single submitter. Criteria: ICSL Variant Classification Criteria 13 December 2019. Collection method: clinical testing. Allele origin: germline.

Ambry Genetics
Classification: Likely benign for Cardiovascular phenotype. Last evaluated: 2017-04-21. Review status: criteria provided, single submitter. Criteria: Ambry Variant Classification Scheme 2023. Collection method: clinical testing. Allele origin: germline.

Athena Diagnostics
Classification: Benign. Last evaluated: 2016-12-07. Review status: criteria provided, single submitter. Criteria: Athena Diagnostics Criteria. Collection method: clinical testing. Allele origin: germline.

Eurofins Ntd Llc (ga)
Classification: Likely benign. Last evaluated: 2014-12-01. Review status: criteria provided, single submitter. Criteria: EGL Classification Definitions 2015. Collection method: clinical testing. Allele origin: germline. Observed: 2 variant alleles, 2 heterozygotes.

GeneDx
Classification: Benign. Last evaluated: 2012-12-21. Review status: criteria provided, single submitter. Criteria: GeneDx Variant Classification (06012015). Collection method: clinical testing. Allele origin: germline. Affected: yes.
Comment: This variant is considered likely benign or benign based on one or more of the following criteria: it is a conservative change, it occurs at a poorly conserved position in the protein, it is predicted to be benign by multiple in silico algorithms, and/or has population frequency not consistent with disease.

Laboratory for Molecular Medicine, Mass General Brigham Personalized Medicine
Classification: Likely benign. Last evaluated: 2012-03-19. Review status: criteria provided, single submitter. Criteria: LMM Criteria. Collection method: clinical testing. Allele origin: germline. Observed: 5 variant alleles.
Comment: Ser28732Ser in exon 288 of TTN: This variant is not expected to have clinical si gnificance because it does not alter an amino acid residue and is not located wi thin the splice consensus sequence. It has been identified in 0.2% (11/6740) of European American chromosomes from a broad population by the NHLBI Exome Sequenc ing Project. Ser28732Ser in exon 288 of TTN (allele frequency = 0.2%, 11/6740) **

Clinical Genetics DNA and cytogenetics Diagnostics Lab, Erasmus MC, Erasmus Medical Center
Classification: Likely benign. Review status: no assertion criteria provided. Collection method: clinical testing. Allele origin: germline. Affected: yes. Study: VKGL Data-share Consensus. Not counted in ClinVar's aggregate classification.

Clinical Genetics, Academic Medical Center
Classification: Benign. Review status: no assertion criteria provided. Collection method: clinical testing. Allele origin: germline. Affected: yes. Study: VKGL Data-share Consensus. Not counted in ClinVar's aggregate classification.

Diagnostic Laboratory, Department of Genetics, University Medical Center Groningen
Classification: Likely benign. Review status: no assertion criteria provided. Collection method: clinical testing. Allele origin: germline. Affected: yes. Study: VKGL Data-share Consensus. Not counted in ClinVar's aggregate classification.

Genome Diagnostics Laboratory, University Medical Center Utrecht
Classification: Likely benign. Review status: no assertion criteria provided. Collection method: clinical testing. Allele origin: germline. Affected: yes. Study: VKGL Data-share Consensus. Not counted in ClinVar's aggregate classification.

Joint Genome Diagnostic Labs from Nijmegen and Maastricht, Radboudumc and MUMC+
Classification: Benign. Review status: no assertion criteria provided. Collection method: clinical testing. Allele origin: germline. Affected: yes. Study: VKGL Data-share Consensus. Not counted in ClinVar's aggregate classification.

Literature cited by the submitters: PubMed 24503780 (cited by Athena Diagnostics).